The following is an entry in ClinVar:

NM_000531.6(OTC):c.443T>C (p.Leu148Ser)

Gene: OTC (ornithine transcarbamylase; plus strand). Cytogenetic location: Xp11.4.
Variant type: single nucleotide variant.
Coding change: c.443T>C on transcript NM_000531.6 (MANE Select); coding-DNA position 443, T replaced by C.
Protein change: p.Leu148Ser; replaces leucine 148 with serine.
Molecular consequence: missense variant.
Genome position (GRCh38, 1-based): chrX:38,401,331, T>C. VCF-style: chrX-38401331-T-C. GRCh37 (hg19) VCF-style: chrX-38260584-T-C.
Other names: short protein forms L148S.
Identifiers: ClinVar variation 97202 (VCV000097202.4), dbSNP rs67016166, ClinGen allele CA224608.
Genomic context (GRCh38, chrX:38,401,331, plus strand): 5'-ACAGTGTATTGTCTAGCATGGCAGATGCAGTATTGGCTCGAGTGTATAAACAATCAGATT[T>C]GGACACCCTGGCTAAAGAAGCATCCATCCCAATTATCAATGGGCTGTCAGATTTGTACCA-3'
Protein context (NP_000522.3, residues 138-158): VLARVYKQSD[Leu148Ser]DTLAKEASIP

ClinVar aggregate classification (germline): Likely pathogenic. Review status: criteria provided, single submitter (1 of 4 stars). 2 submissions from 2 submitters: Likely pathogenic (1). 1 of the submissions does not count toward it. Last evaluated 2023-07-10.

Conditions:
Ornithine carbamoyltransferase deficiency (OTCD). Also called: ORNITHINE TRANSCARBAMYLASE DEFICIENCY, HYPERAMMONEMIA DUE TO; ORNITHINE TRANSCARBAMYLASE DEFICIENCY; OTC DEFICIENCY; Ornithine Carbamoyltransferase Deficiency Disease. Identifiers: Orphanet 664, MedGen C0268542, MONDO:0010703, OMIM 311250.

Submissions (2):

Women's Health and Genetics/Laboratory Corporation of America, LabCorp
Classification: Likely pathogenic for Ornithine carbamoyltransferase deficiency. Last evaluated: 2023-07-10. Review status: criteria provided, single submitter. Criteria: LabCorp Variant Classification Summary - May 2015. Collection method: clinical testing. Allele origin: germline.
Comment: Variant summary: OTC c.443T>C (p.Leu148Ser) results in a non-conservative amino acid change located in the Aspartate/ornithine carbamoyltransferase, carbamoyl-P binding domain (IPR006132) of the encoded protein sequence. Five of five in-silico tools predict a damaging effect of the variant on protein function. The variant was absent in 182681 control chromosomes. c.443T>C has been reported in the literature in individuals affected with Ornithine Transcarbamylase Deficiency including one de novo occurrence (Yamaguchi_2006, Azevedo_2006). Additionally, two different amino acid substitutions at this position, p.Leu148Trp and p.Leu148Phe, have been associated with pathogenicity in ClinVar, supporting the clinical significance of this amino acid position. To our knowledge, no experimental evidence demonstrating an impact on protein function has been reported. The following publications have been ascertained in the context of this evaluation (PMID: 16786505, 26059767, 28324312, 17044854, 33551825). No submitters have cited clinical-significance assessments for this variant to ClinVar after 2014. Based on the evidence outlined above, the variant was classified as likely pathogenic.

GenMed Metabolism Lab
Classification: Pathogenic. Review status: no assertion criteria provided. Collection method: not provided. Allele origin: unknown. Not counted in ClinVar's aggregate classification.
Comment: p.Leu148Ser, Neonatal
ClinVar note: Converted during submission from pathogenic to Pathogenic.

Literature cited by the submitters: PubMed 16786505 (cited by Women's Health and Genetics/Laboratory Corporation of America, LabCorp); PubMed 26059767 (cited by Women's Health and Genetics/Laboratory Corporation of America, LabCorp); PubMed 28324312 (cited by Women's Health and Genetics/Laboratory Corporation of America, LabCorp); PubMed 17044854 (cited by Women's Health and Genetics/Laboratory Corporation of America, LabCorp); PubMed 33551825 (cited by Women's Health and Genetics/Laboratory Corporation of America, LabCorp).